The following is an entry in ClinVar:

NM_001170629.2(CHD8):c.7582A>G (p.Thr2528Ala)

Gene: CHD8 (chromodomain helicase DNA binding protein 8; minus strand). Cytogenetic location: 14q11.2.
Variant type: single nucleotide variant.
Coding change: c.7582A>G on transcript NM_001170629.2 (MANE Select); coding-DNA position 7582, A replaced by G.
Protein change: p.Thr2528Ala; replaces threonine 2528 with alanine.
Molecular consequence: missense variant.
Genome position (GRCh38, 1-based): chr14:21,385,777, T>C on the plus strand (A>G on the coding strand, the complement: CHD8 is on the minus strand). VCF-style: chr14-21385777-T-C. GRCh37 (hg19) VCF-style: chr14-21853936-T-C.
Other names: c.6745A>G, p.Thr2249Ala (NM_020920.4); short protein forms T2249A, T2528A.
Identifiers: ClinVar variation 4083915 (VCV004083915.8).

ClinVar aggregate classification (germline): Uncertain significance (1 of 4 stars; one submission).

gnomAD v4.1: 1 of 1,546,938 alleles (0.000065%); highest among the groups gnomAD compares: Non-Finnish European, 0.000087%; no homozygotes.

Submission:

CeGaT Center for Human Genetics Tuebingen
Classification: Uncertain significance. Last evaluated: 2025-06-01. Review status: criteria provided, single submitter. Criteria: CeGaT Center For Human Genetics Tuebingen Variant Classification Criteria Version 2. Collection method: clinical testing. Allele origin: germline. Affected: yes. Observed: 1 variant allele.
Comment: CHD8: PM2, BP4